The following is an entry in ClinVar:

ClinVar aggregate classification (germline): Pathogenic (1 of 4 stars; one submission).

Conditions:
Neurodevelopmental-craniofacial syndrome with variable renal and cardiac abnormalities. Identifiers: MedGen C5561984, MONDO:0859190, OMIM 619522.

Submission:

MGZ Medical Genetics Center
Classification: Pathogenic for Neurodevelopmental-craniofacial syndrome with variable renal and cardiac abnormalities. Last evaluated: 2022-04-13. Review status: criteria provided, single submitter. Criteria: ACMG Guidelines, 2015. Collection method: clinical testing. Allele origin: germline. Affected: yes. Observed: 1 variant allele.
Comment: ACMG criteria applied: PVS1, PS2_MOD, PM2_SUP

NM_197968.4(ZMYM2):c.2700C>G (p.Tyr900Ter)

Gene: ZMYM2 (zinc finger MYM-type containing 2; plus strand). Cytogenetic location: 13q12.11.
Variant type: single nucleotide variant.
Coding change: c.2700C>G on transcript NM_197968.4 (MANE Select); coding-DNA position 2700, C replaced by G.
Protein change: p.Tyr900Ter; replaces tyrosine 900 with a stop codon.
Molecular consequence: nonsense. On other transcripts: non-coding transcript variant (1).
Genome position (GRCh38, 1-based): chr13:20,059,523, C>G. VCF-style: chr13-20059523-C-G. GRCh37 (hg19) VCF-style: chr13-20633663-C-G.
Other names: c.2700C>G, p.Tyr900Ter (NM_001190964.4, NM_001190965.4, NM_001353157.2 and 5 more transcripts); c.2505C>G, p.Tyr835Ter (NM_001353161.3); c.2439C>G, p.Tyr813Ter (NM_001353163.2); short protein forms Y813*, Y835*, Y900*.
Identifiers: ClinVar variation 1709371 (VCV001709371.2), dbSNP rs746920956, ClinGen allele CA387463346.
Genomic context (GRCh38, chr13:20,059,523, plus strand): 5'-AGAATATGTTCCAGTGCCTATCCCTGTGCCTGTGTATATCCCAGTTCCTATGCACATGTA[C>G]AGTCAGAATATTCCTGTTCCTACTACAGTTCCTGTTCCTGTAAGTCACATTTTAAGTTCT-3'